The following is an entry in ClinVar:

NM_006648.4(WNK2):c.2467G>T (p.Ala823Ser)

Gene: WNK2 (WNK lysine deficient protein kinase 2; plus strand). Cytogenetic location: 9q22.31.
Variant type: single nucleotide variant.
Coding change: c.2467G>T on transcript NM_006648.4 (MANE Select); coding-DNA position 2467, G replaced by T.
Protein change: p.Ala823Ser; replaces alanine 823 with serine.
Molecular consequence: missense variant.
Genome position (GRCh38, 1-based): chr9:93,259,015, G>T. VCF-style: chr9-93259015-G-T. GRCh37 (hg19) VCF-style: chr9-96021297-G-T.
Other names: c.2467G>T, p.Ala823Ser (NM_001282394.3); short protein forms A823S.
Identifiers: ClinVar variation 3816840 (VCV003816840.1).

ClinVar aggregate classification (germline): Uncertain significance (1 of 4 stars; one submission).

Submission:

Ambry Genetics
Classification: Uncertain significance. Last evaluated: 2025-01-14. Review status: criteria provided, single submitter. Criteria: Ambry Variant Classification Scheme 2023. Collection method: clinical testing. Allele origin: germline.
Comment: The p.A823S variant (also known as c.2467G>T), located in coding exon 11 of the WNK2 gene, results from a G to T substitution at nucleotide position 2467. The alanine at codon 823 is replaced by serine, an amino acid with similar properties. This amino acid position is conserved. In addition, this alteration is predicted to be tolerated by in silico analysis. Based on the available evidence, the clinical significance of this variant remains unclear.